The following is an entry in ClinVar:

ClinVar aggregate classification (germline): Uncertain significance (1 of 4 stars; one submission).

Conditions:
Cardiovascular phenotype. Identifiers: MedGen CN230736.

Submission:

Ambry Genetics
Classification: Uncertain significance for Cardiovascular phenotype. Last evaluated: 2022-09-05. Review status: criteria provided, single submitter. Criteria: Ambry Variant Classification Scheme 2023. Collection method: clinical testing. Allele origin: germline.
Comment: The p.K1533N variant (also known as c.4599A>C), located in coding exon 30 of the MYH6 gene, results from an A to C substitution at nucleotide position 4599. The lysine at codon 1533 is replaced by asparagine, an amino acid with similar properties. This amino acid position is conserved. In addition, the in silico prediction for this alteration is inconclusive. Since supporting evidence is limited at this time, the clinical significance of this alteration remains unclear.

NM_002471.4(MYH6):c.4599A>C (p.Lys1533Asn)

Gene: MYH6 (myosin heavy chain 6; minus strand). Cytogenetic location: 14q11.2.
Variant type: single nucleotide variant.
Coding change: c.4599A>C on transcript NM_002471.4 (MANE Select); coding-DNA position 4599, A replaced by C.
Protein change: p.Lys1533Asn; replaces lysine 1533 with asparagine.
Molecular consequence: missense variant.
Genome position (GRCh38, 1-based): chr14:23,387,580, T>G on the plus strand (A>C on the coding strand, the complement: MYH6 is on the minus strand). VCF-style: chr14-23387580-T-G. GRCh37 (hg19) VCF-style: chr14-23856789-T-G.
Other names: short protein forms K1533N.
Identifiers: ClinVar variation 1741740 (VCV001741740.2), dbSNP rs2502147318, ClinGen allele CA388996055.
Genomic context (GRCh38, chr14:23,387,580, plus strand): 5'-GGCCCTCACCTCTGCCTCCTCCAGGGCTGACTGCAGCTCCAGCTTCTCCACCTCCAGCTG[T>G]TTGCGGACCTTCTCCAGCTCATGCACATTCTTTCCTCCTTCTCCTAGCTGCTCAGTAAGG-3'
Protein context (NP_002462.2, residues 1523-1543): KNVHELEKVR[Lys1533Asn]QLEVEKLELQ